The following is an entry in ClinVar:

NM_006231.4(POLE):c.3385G>T (p.Asp1129Tyr)

Gene: POLE (DNA polymerase epsilon, catalytic subunit; minus strand). Cytogenetic location: 12q24.33.
Variant type: single nucleotide variant.
Coding change: c.3385G>T on transcript NM_006231.4 (MANE Select); coding-DNA position 3385, G replaced by T.
Protein change: p.Asp1129Tyr; replaces aspartic acid 1129 with tyrosine.
Molecular consequence: missense variant.
Genome position (GRCh38, 1-based): chr12:132,657,423, C>A on the plus strand (G>T on the coding strand, the complement: POLE is on the minus strand). VCF-style: chr12-132657423-C-A. GRCh37 (hg19) VCF-style: chr12-133234009-C-A.
Other names: short protein forms D1129Y.
Identifiers: ClinVar variation 3716771 (VCV003716771.2).

ClinVar aggregate classification (germline): Uncertain significance (1 of 4 stars; one submission).

Submission:

Labcorp Genetics (formerly Invitae), Labcorp
Classification: Uncertain significance. Last evaluated: 2024-12-11. Review status: criteria provided, single submitter. Criteria: Invitae Variant Classification Sherloc (09022015). Collection method: clinical testing. Allele origin: germline.
Comment: This sequence change replaces aspartic acid, which is acidic and polar, with tyrosine, which is neutral and polar, at codon 1129 of the POLE protein (p.Asp1129Tyr). This variant is not present in population databases (gnomAD no frequency). This variant has not been reported in the literature in individuals affected with POLE-related conditions. Invitae Evidence Modeling of protein sequence and biophysical properties (such as structural, functional, and spatial information, amino acid conservation, physicochemical variation, residue mobility, and thermodynamic stability) indicates that this missense variant is expected to disrupt POLE protein function with a positive predictive value of 80%. In summary, the available evidence is currently insufficient to determine the role of this variant in disease. Therefore, it has been classified as a Variant of Uncertain Significance.